The following is an entry in ClinVar:

NM_000179.3(MSH6):c.3902A>T (p.Asn1301Ile)

Gene: MSH6 (mutS homolog 6; plus strand). Cytogenetic location: 2p16.3.
Variant type: single nucleotide variant.
Coding change: c.3902A>T on transcript NM_000179.3 (MANE Select); coding-DNA position 3902, A replaced by T.
Protein change: p.Asn1301Ile; replaces asparagine 1301 with isoleucine.
Molecular consequence: missense variant.
Genome position (GRCh38, 1-based): chr2:47,806,552, A>T. VCF-style: chr2-47806552-A-T. GRCh37 (hg19) VCF-style: chr2-48033691-A-T.
Other names: c.3512A>T, p.Asn1171Ile (NM_001281492.2); c.2996A>T, p.Asn999Ile (NM_001281493.2, NM_001281494.2, NM_001406823.1 and 6 more transcripts); c.3998A>T, p.Asn1333Ile (NM_001406795.1); c.3902A>T, p.Asn1301Ile (NM_001406796.1, NM_001406808.1, NM_001406809.1); c.3605A>T, p.Asn1202Ile (NM_001406797.1, NM_001406801.1, NM_001406805.1 and 10 more transcripts); c.3728A>T, p.Asn1243Ile (NM_001406798.1); c.3377A>T, p.Asn1126Ile (NM_001406799.1, NM_001406806.1, NM_001406807.1); c.3889A>T, p.Met1297Leu (NM_001406800.1); and 8 more; short protein forms N1126I, N1202I, N1303I, N228I, N779I, N1013I, N1171I, N1245I.
Identifiers: ClinVar variation 1736032 (VCV001736032.2), dbSNP rs2104559558, ClinGen allele CA346761426.
Genomic context (GRCh38, chr2:47,806,552, plus strand): 5'-AGACTATTACGTTCCTCTATAAATTCATTAAGGGAGCTTGTCCTAAAAGCTATGGCTTTA[A>T]TGCAGCAAGGCTTGCTAATCTCCCAGAGGAAGTTATTCAAAAGGGACATAGAAAAGCAAG-3'
Protein context (NP_000170.1, residues 1291-1311): KGACPKSYGF[Asn1301Ile]AARLANLPEE

ClinVar aggregate classification (germline): Uncertain significance (1 of 4 stars; one submission).

Conditions:
Hereditary cancer-predisposing syndrome. Also called: Neoplastic Syndromes, Hereditary; Tumor predisposition; Hereditary Cancer Syndrome; Hereditary neoplastic syndrome. Identifiers: Orphanet 140162, MedGen C0027672, MeSH D009386, MONDO:0015356.

Submission:

Ambry Genetics
Classification: Uncertain significance for Hereditary cancer-predisposing syndrome. Last evaluated: 2021-03-22. Review status: criteria provided, single submitter. Criteria: Ambry Variant Classification Scheme 2023. Collection method: clinical testing. Allele origin: germline.
Comment: The p.N1301I variant (also known as c.3902A>T), located in coding exon 9 of the MSH6 gene, results from an A to T substitution at nucleotide position 3902. The asparagine at codon 1301 is replaced by isoleucine, an amino acid with dissimilar properties. This amino acid position is highly conserved in available vertebrate species. In addition, this alteration is predicted to be deleterious by in silico analysis. Since supporting evidence is limited at this time, the clinical significance of this alteration remains unclear.